The following is an entry in ClinVar:

NM_001277115.2(DNAH11):c.1116G>C (p.Trp372Cys)

Gene: DNAH11 (dynein axonemal heavy chain 11; plus strand). Cytogenetic location: 7p15.3.
Variant type: single nucleotide variant.
Coding change: c.1116G>C on transcript NM_001277115.2 (MANE Select); coding-DNA position 1116, G replaced by C.
Protein change: p.Trp372Cys; replaces tryptophan 372 with cysteine.
Molecular consequence: missense variant.
Genome position (GRCh38, 1-based): chr7:21,564,319, G>C. VCF-style: chr7-21564319-G-C. GRCh37 (hg19) VCF-style: chr7-21603937-G-C.
Other names: c.1116G>C (NM_001277115.1); short protein forms W372C.
Identifiers: ClinVar variation 1402603 (VCV001402603.7), dbSNP rs372700740, ClinGen allele CA4178903.

ClinVar aggregate classification (germline): Conflicting classifications of pathogenicity. Review status: criteria provided, conflicting classifications (1 of 4 stars). 2 submissions from 2 submitters: Uncertain significance (1); Benign (1). Last evaluated 2024-11-23.

Conditions:
Primary ciliary dyskinesia. Also called: Ciliary dyskinesia. Identifiers: Orphanet 244, MedGen C0008780, MONDO:0016575, HP:0012265.

Allele frequency attached by ClinVar (database versions not stated): gnomAD exomes 0.00001 and 0.00003; ExAC 0.00005; gnomAD 0.00018 and 0.00019; 1000 Genomes Project 0.00020; TOPMed 0.00020; ESP Exome Variant Server 0.00025; 1000 Genomes Project 30x 0.00031.
gnomAD v4.1: 40 of 1,613,560 alleles (0.0025%); highest among the groups gnomAD compares: African/African-American, 0.049%; no homozygotes.

Submissions (2):

Ambry Genetics
Classification: Uncertain significance for Primary ciliary dyskinesia. Last evaluated: 2024-11-23. Review status: criteria provided, single submitter. Criteria: Ambry Variant Classification Scheme 2023. Collection method: clinical testing. Allele origin: germline.
Comment: The p.W372C variant (also known as c.1116G>C), located in coding exon 6 of the DNAH11 gene, results from a G to C substitution at nucleotide position 1116. The tryptophan at codon 372 is replaced by cysteine, an amino acid with highly dissimilar properties. This amino acid position is conserved. In addition, the in silico prediction for this alteration is inconclusive. Based on the available evidence, the clinical significance of this variant remains unclear.

Labcorp Genetics (formerly Invitae), Labcorp
Classification: Benign for Primary ciliary dyskinesia. Last evaluated: 2023-11-06. Review status: criteria provided, single submitter. Criteria: Invitae Variant Classification Sherloc (09022015). Collection method: clinical testing. Allele origin: germline.